The following is an entry in ClinVar:

ClinVar aggregate classification (germline): Likely benign (1 of 4 stars; one submission).

Allele frequency attached by ClinVar (database versions not stated): ExAC 0.00003; gnomAD 0.00003; gnomAD exomes 0.00003; TOPMed 0.00007; ESP Exome Variant Server 0.00008.
gnomAD v4.1: 43 of 1,613,250 alleles (0.0027%); highest among the groups gnomAD compares: Middle Eastern, 0.033%; no homozygotes.

Submission:

CeGaT Center for Human Genetics Tuebingen
Classification: Likely benign. Last evaluated: 2022-05-01. Review status: criteria provided, single submitter. Criteria: CeGaT Center For Human Genetics Tuebingen Variant Classification Criteria Version 2. Collection method: clinical testing. Allele origin: germline. Affected: yes. Observed: 1 variant allele.
Comment: GEMIN4: BP4

NM_015721.3(GEMIN4):c.1139C>T (p.Ala380Val)

Gene: GEMIN4 (gem nuclear organelle associated protein 4; minus strand). Cytogenetic location: 17p13.3.
Variant type: single nucleotide variant.
Coding change: c.1139C>T on transcript NM_015721.3 (MANE Select); coding-DNA position 1139, C replaced by T.
Protein change: p.Ala380Val; replaces alanine 380 with valine.
Molecular consequence: missense variant.
Genome position (GRCh38, 1-based): chr17:746,904, G>A on the plus strand (C>T on the coding strand, the complement: GEMIN4 is on the minus strand). VCF-style: chr17-746904-G-A. GRCh37 (hg19) VCF-style: chr17-650144-G-A.
Other names: short protein forms A380V.
Identifiers: ClinVar variation 2647170 (VCV002647170.24), dbSNP rs368823752, ClinGen allele CA8262705.
Genomic context (GRCh38, chr17:746,904, plus strand): 5'-TCCAAGGCCCTGTTCTTCAGCACCGTGCTCGTTTTCCTCAGGAAGTCCCTGACACACTCC[G>A]CCAGCTCAGAGACCACCTGCCTGTCCTCCTTGGACAGGCTGGTGCGGTTCAGGTAGAGCG-3'
Protein context (NP_056536.2, residues 370-390): KEDRQVVSEL[Ala380Val]ECVRDFLRKT